The following is an entry in ClinVar:

NM_001034853.2(RPGR):c.3348del (p.Glu1117fs)

Gene: RPGR (retinitis pigmentosa GTPase regulator; minus strand). Cytogenetic location: Xp11.4.
Variant type: Deletion.
Coding change: c.3348del on transcript NM_001034853.2 (MANE Select); coding-DNA position 3348, one base deleted (A; older notation c.3348delA).
Protein change: p.Glu1117fs; shifts the reading frame from glutamic acid 1117.
Molecular consequence: frameshift variant. On other transcripts: intron variant (8).
Genome position (GRCh38, 1-based): chrX:38,285,651, T deleted on the plus strand (A on the coding strand, the reverse complement: RPGR is on the minus strand); the first of 3 consecutive T bases (chrX:38,285,651-38,285,653); deleting any one gives the same sequence. VCF-style (leftmost placement, unchanged base first): chrX-38285650-CT-C. GRCh37 (hg19) VCF-style: chrX-38144903-CT-C.
Other names: c.1569+5308del (NM_001367249.1, NM_001367250.1); c.1902+1443del (NM_001367245.1); c.1386+5308del (NM_001367251.1); c.1719+1443del (NM_001367246.1); c.1572+5308del (NM_001367247.1); c.1905+1443del (NM_000328.3); c.1602+5308del (NM_001367248.1); short protein forms E1117fs.
Identifiers: ClinVar variation 2110970 (VCV002110970.4), dbSNP rs2519780040, ClinGen allele CA2580100791.

ClinVar aggregate classification (germline): Pathogenic (1 of 4 stars; one submission).

Conditions:
Primary ciliary dyskinesia. Also called: Ciliary dyskinesia. Identifiers: Orphanet 244, MedGen C0008780, MONDO:0016575, HP:0012265.

Submission:

Labcorp Genetics (formerly Invitae), Labcorp
Classification: Pathogenic for Primary ciliary dyskinesia. Last evaluated: 2023-12-11. Review status: criteria provided, single submitter. Criteria: Invitae Variant Classification Sherloc (09022015). Collection method: clinical testing. Allele origin: germline.
Comment: This sequence change creates a premature translational stop signal (p.Glu1117Serfs*14) in the RPGR (ORF15) gene. While this is not anticipated to result in nonsense mediated decay, it is expected to disrupt the last 36 amino acid(s) of the RPGR (ORF15) protein. This variant is not present in population databases (gnomAD no frequency). This variant has not been reported in the literature in individuals affected with RPGR (ORF15)-related conditions. ClinVar contains an entry for this variant (Variation ID: 2110970). This variant disrupts a region of the RPGR (ORF15) protein in which other variant(s) (p.Leu1130Lysfs*13) have been determined to be pathogenic (PMID: 22264887; Invitae). This suggests that this is a clinically significant region of the protein, and that variants that disrupt it are likely to be disease-causing. For these reasons, this variant has been classified as Pathogenic.

Literature cited by the submitters: PubMed 22264887.